The following is an entry in ClinVar:

NC_000021.8:g.(?_36111201)_(36231885_?)dup

Gene: RUNX1 (RUNX family transcription factor 1; minus strand). Cytogenetic location: 21q22.12.
Variant type: Duplication.
Identifiers: ClinVar variation 1019835 (VCV001019835.6).

ClinVar aggregate classification (germline): Uncertain significance (1 of 4 stars; one submission).

Conditions:
Hereditary thrombocytopenia and hematological cancer predisposition syndrome associated with RUNX1. Also called: Familial thrombocytopenia with propensity to acute myelogenous leukemia; PLATELET DISORDER, ASPIRIN-LIKE; RUNX1 Familial Platelet Disorder with Associated Myeloid Malignancies; Familial Platelet Disorder with Propensity to Acute Myelogenous Leukemia. Identifiers: Orphanet 71290, MedGen C1832388, MeSH C563324, MONDO:0100083, OMIM 601399.

Submission:

Labcorp Genetics (formerly Invitae), Labcorp
Classification: Uncertain significance for Hereditary thrombocytopenia and hematological cancer predisposition syndrome associated with RUNX1. Last evaluated: 2022-07-05. Review status: criteria provided, single submitter. Criteria: Invitae Variant Classification Sherloc (09022015). Collection method: clinical testing. Allele origin: germline.
Comment: In summary, the available evidence is currently insufficient to determine the role of this variant in disease. Therefore, it has been classified as a Variant of Uncertain Significance. Experimental studies and prediction algorithms are not available or were not evaluated, and the functional significance of this variant is currently unknown. This variant has not been reported in the literature in individuals affected with RUNX1-related conditions. This variant results in a copy number gain of the genomic region encompassing exon(s) 6-9 of the RUNX1 gene. This region includes the termination codon of the gene. This copy number gain extends beyond the assayed region for this gene and therefore may encompass additional genes. As the precise location of this event is unknown, it may be in tandem or it may be located elsewhere in the genome.